The following is an entry in ClinVar:

ClinVar aggregate classification (germline): Uncertain significance (1 of 4 stars; one submission).

Conditions:
Primary familial hypertrophic cardiomyopathy (HCM). Identifiers: Orphanet 99739, MedGen C0949658, MeSH D024741, MONDO:0024573. Inheritance: Various modes of inheritance.
Hypertrophic cardiomyopathy 25 (CMH25). Also called: CARDIOMYOPATHY, FAMILIAL HYPERTROPHIC, 25. Identifiers: MedGen C4225408, MONDO:0011843, OMIM 607487.

Submission:

Labcorp Genetics (formerly Invitae), Labcorp
Classification: Uncertain significance for Hypertrophic cardiomyopathy 25; Primary familial hypertrophic cardiomyopathy. Last evaluated: 2022-06-04. Review status: criteria provided, single submitter. Criteria: Invitae Variant Classification Sherloc (09022015). Collection method: clinical testing. Allele origin: germline.
Comment: In summary, the available evidence is currently insufficient to determine the role of this variant in disease. Therefore, it has been classified as a Variant of Uncertain Significance. Algorithms developed to predict the effect of missense changes on protein structure and function are either unavailable or do not agree on the potential impact of this missense change (SIFT: "Deleterious"; PolyPhen-2: "Possibly Damaging"; Align-GVGD: "Class C15"). This variant has not been reported in the literature in individuals affected with TCAP-related conditions. This variant is not present in population databases (gnomAD no frequency). This sequence change replaces serine, which is neutral and polar, with cysteine, which is neutral and slightly polar, at codon 155 of the TCAP protein (p.Ser155Cys).

NM_003673.4(TCAP):c.464C>G (p.Ser155Cys)

Gene: TCAP (titin-cap; plus strand). Cytogenetic location: 17q12.
Variant type: single nucleotide variant.
Coding change: c.464C>G on transcript NM_003673.4 (MANE Select); coding-DNA position 464, C replaced by G.
Protein change: p.Ser155Cys; replaces serine 155 with cysteine.
Molecular consequence: missense variant.
Genome position (GRCh38, 1-based): chr17:39,666,069, C>G. VCF-style: chr17-39666069-C-G. GRCh37 (hg19) VCF-style: chr17-37822322-C-G.
Other names: short protein forms S155C.
Identifiers: ClinVar variation 2177587 (VCV002177587.4), dbSNP rs1427831753, ClinGen allele CA399306041.